The following is an entry in ClinVar:

ClinVar aggregate classification (germline): Uncertain significance. Review status: criteria provided, multiple submitters, no conflicts (2 of 4 stars). 2 submissions from 2 submitters: Uncertain significance (2). Last evaluated 2024-08-01.

Conditions:
Birt-Hogg-Dube syndrome. Also called: Birt Hogg Dubé syndrome. Identifiers: Orphanet 122, MedGen C0346010, MONDO:0800444.
Hereditary cancer-predisposing syndrome. Also called: Neoplastic Syndromes, Hereditary; Hereditary neoplastic syndrome; Tumor predisposition; Hereditary Cancer Syndrome. Identifiers: Orphanet 140162, MedGen C0027672, MeSH D009386, MONDO:0015356.

Submissions (2):

Ambry Genetics
Classification: Uncertain significance for Hereditary cancer-predisposing syndrome. Last evaluated: 2024-08-01. Review status: criteria provided, single submitter. Criteria: Ambry Variant Classification Scheme 2023. Collection method: clinical testing. Allele origin: germline.
Comment: The p.M54T variant (also known as c.161T>C), located in coding exon 1 of the FLCN gene, results from a T to C substitution at nucleotide position 161. The methionine at codon 54 is replaced by threonine, an amino acid with similar properties. This variant has been observed in at least one individual with a personal and/or family history that is consistent with FLCN-associated disease (Ambry internal data).This amino acid position is conserved. In addition, this alteration is predicted to be deleterious by in silico analysis. Based on the available evidence, the clinical significance of this variant remains unclear.

Labcorp Genetics (formerly Invitae), Labcorp
Classification: Uncertain significance for Birt-Hogg-Dube syndrome. Last evaluated: 2018-03-27. Review status: criteria provided, single submitter. Criteria: Invitae Variant Classification Sherloc (09022015). Collection method: clinical testing. Allele origin: germline.
Comment: This sequence change replaces methionine with threonine at codon 54 of the FLCN protein (p.Met54Thr). The methionine residue is moderately conserved and there is a moderate physicochemical difference between methionine and threonine. This variant is not present in population databases (ExAC no frequency). This variant has not been reported in the literature in individuals with FLCN-related disease. Algorithms developed to predict the effect of missense changes on protein structure and function do not agree on the potential impact of this missense change (SIFT: "Deleterious"; PolyPhen-2: "Benign"; Align-GVGD: "Class C0"). In summary, the available evidence is currently insufficient to determine the role of this variant in disease. Therefore, it has been classified as a Variant of Uncertain Significance.

NM_144997.7(FLCN):c.161T>C (p.Met54Thr)

Gene: FLCN (folliculin; minus strand). Cytogenetic location: 17p11.2.
Variant type: single nucleotide variant.
Coding change: c.161T>C on transcript NM_144997.7 (MANE Select); coding-DNA position 161, T replaced by C.
Protein change: p.Met54Thr; replaces methionine 54 with threonine.
Molecular consequence: missense variant.
Genome position (GRCh38, 1-based): chr17:17,227,977, A>G on the plus strand (T>C on the coding strand, the complement: FLCN is on the minus strand). VCF-style: chr17-17227977-A-G. GRCh37 (hg19) VCF-style: chr17-17131291-A-G.
Other names: c.161T>C (LRG_325t1); c.161T>C, p.Met54Thr (NM_001353229.2, NM_001353230.2, NM_001353231.2 and 1 more transcripts); short protein forms M54T.
Identifiers: ClinVar variation 529976 (VCV000529976.9), dbSNP rs1555611472, ClinGen allele CA398535196.